The following is an entry in ClinVar:

ClinVar aggregate classification (germline): Likely benign (1 of 4 stars; one submission).

Submission:

CeGaT Center for Human Genetics Tuebingen
Classification: Likely benign. Last evaluated: 2026-02-01. Review status: criteria provided, single submitter. Criteria: CeGaT Center For Human Genetics Tuebingen Variant Classification Criteria Version 2. Collection method: clinical testing. Allele origin: germline. Affected: yes. Observed: 1 variant allele.
Comment: CBL: BS1

NM_005188.3(CBL):c.-126_-125insTGGCGGCGGCGGCGGCGGCGGCGGCGG

Genes: CBL (Cbl proto-oncogene; plus strand), FRA11B (fragile site, folic acid type, rare, fra(11)(q23.3); plus strand), LOC130006894 (ATAC-STARR-seq lymphoblastoid silent region 3974; plus strand). Cytogenetic location: 11q23.3.
Variant type: Insertion.
Coding change: c.-126_-125insTGGCGGCGGCGGCGGCGGCGGCGGCGG on transcript NM_005188.3; 126 bases upstream of the start codon through 125 bases upstream of the start codon, TGGCGGCGGCGGCGGCGGCGGCGGCGG inserted.
Genome position: GRCh38 VCF-style: chr11-119206289-C-CCGGTGGCGGCGGCGGCGGCGGCGGCGG. GRCh37 (hg19) VCF-style: chr11-119076999-C-CCGGTGGCGGCGGCGGCGGCGGCGGCGG.
Identifiers: ClinVar variation 4822647 (VCV004822647.4).